The following is an entry in ClinVar:

ClinVar aggregate classification (germline): Uncertain significance (1 of 4 stars; one submission).

Submission:

GeneDx
Classification: Uncertain significance. Last evaluated: 2024-06-11. Review status: criteria provided, single submitter. Criteria: GeneDx Variant Classification Process June 2021. Collection method: clinical testing. Allele origin: germline. Affected: yes.
Comment: Not observed at significant frequency in large population cohorts (gnomAD); In silico analysis supports that this missense variant has a deleterious effect on protein structure/function; Has not been previously published as pathogenic or benign to our knowledge

NM_014515.7(CNOT2):c.1478C>T (p.Thr493Ile)

Gene: CNOT2 (CCR4-NOT transcription complex subunit 2; plus strand). Cytogenetic location: 12q15.
Variant type: single nucleotide variant.
Coding change: c.1478C>T on transcript NM_014515.7 (MANE Select); coding-DNA position 1478, C replaced by T.
Protein change: p.Thr493Ile; replaces threonine 493 with isoleucine.
Molecular consequence: missense variant. On other transcripts: non-coding transcript variant (1).
Genome position (GRCh38, 1-based): chr12:70,346,266, C>T. VCF-style: chr12-70346266-C-T. GRCh37 (hg19) VCF-style: chr12-70740046-C-T.
Other names: c.1478C>T, p.Thr493Ile (NM_001199302.2, NM_001199303.2, NM_001414651.1 and 1 more transcripts); c.1451C>T, p.Thr484Ile (NM_001414653.1, NM_001414654.1, NM_001414655.1); c.1436C>T, p.Thr479Ile (NM_001414656.1); c.1418C>T, p.Thr473Ile (NM_001414657.1, NM_001414658.1, NM_001414659.1 and 1 more transcripts); c.1355C>T, p.Thr452Ile (NM_001414661.1); c.1295C>T, p.Thr432Ile (NM_001414662.1); short protein forms T432I, T452I, T473I, T479I, T484I, T493I.
Identifiers: ClinVar variation 3390749 (VCV003390749.1).